The following is an entry in ClinVar:

ClinVar aggregate classification (germline): Uncertain significance (1 of 4 stars; one submission).

Submission:

CeGaT Center for Human Genetics Tuebingen
Classification: Uncertain significance. Last evaluated: 2023-10-01. Review status: criteria provided, single submitter. Criteria: CeGaT Center For Human Genetics Tuebingen Variant Classification Criteria Version 2. Collection method: clinical testing. Allele origin: germline. Affected: yes. Observed: 1 variant allele.
Comment: MTOR: PM2

NM_004958.4(MTOR):c.1133T>C (p.Leu378Pro)

Gene: MTOR (mechanistic target of rapamycin kinase; minus strand). Cytogenetic location: 1p36.22.
Variant type: single nucleotide variant.
Coding change: c.1133T>C on transcript NM_004958.4 (MANE Select); coding-DNA position 1133, T replaced by C.
Protein change: p.Leu378Pro; replaces leucine 378 with proline.
Molecular consequence: missense variant. On other transcripts: intron variant (1).
Genome position (GRCh38, 1-based): chr1:11,247,717, A>G on the plus strand (T>C on the coding strand, the complement: MTOR is on the minus strand). VCF-style: chr1-11247717-A-G. GRCh37 (hg19) VCF-style: chr1-11307774-A-G.
Other names: c.1133T>C, p.Leu378Pro (NM_001386500.1); c.-24+102T>C (NM_001386501.1); short protein forms L378P.
Identifiers: ClinVar variation 2638234 (VCV002638234.24), dbSNP rs2523386385, ClinGen allele CA338399270.